The following is an entry in ClinVar:

NM_002075.4(GNB3):c.657T>A (p.Arg219=)

Gene: GNB3 (G protein subunit beta 3; plus strand). Cytogenetic location: 12p13.31.
Variant type: single nucleotide variant.
Coding change: c.657T>A on transcript NM_002075.4 (MANE Select); coding-DNA position 657, T replaced by A.
Protein change: p.Arg219=; no amino-acid change (arginine 219 retained).
Molecular consequence: synonymous variant.
Genome position (GRCh38, 1-based): chr12:6,843,936, T>A. VCF-style: chr12-6843936-T-A. GRCh37 (hg19) VCF-style: chr12-6953100-T-A.
Other names: c.654T>A, p.Arg218= (NM_001297571.2).
Identifiers: ClinVar variation 784297 (VCV000784297.34), dbSNP rs45476395, ClinGen allele CA6417611.

ClinVar aggregate classification (germline): Benign. Review status: criteria provided, multiple submitters, no conflicts (2 of 4 stars). 3 submissions from 3 submitters: Benign (3). Last evaluated 2026-02-03.

Allele frequency attached by ClinVar (database versions not stated): 1000 Genomes Project 0.00399; 1000 Genomes Project 30x 0.00468; gnomAD 0.00625 and 0.00653; ExAC 0.00657; gnomAD exomes 0.00661 and 0.00988; TOPMed 0.00697; ESP Exome Variant Server 0.00838.
gnomAD v4.1: 15,256 of 1,613,680 alleles (0.95%); highest among the groups gnomAD compares: Non-Finnish European, 1.2%; 95 homozygotes.

Submissions (3):

Labcorp Genetics (formerly Invitae), Labcorp
Classification: Benign. Last evaluated: 2026-02-03. Review status: criteria provided, single submitter. Criteria: Invitae Variant Classification Sherloc (09022015). Collection method: clinical testing. Allele origin: germline.

CeGaT Center for Human Genetics Tuebingen
Classification: Benign. Last evaluated: 2025-06-01. Review status: criteria provided, single submitter. Criteria: CeGaT Center For Human Genetics Tuebingen Variant Classification Criteria Version 2. Collection method: clinical testing. Allele origin: germline. Affected: yes. Observed: 2 variant alleles.
Comment: GNB3: BP4, BP7, BS1, BS2

Breakthrough Genomics
Classification: Benign. Review status: criteria provided, single submitter. Criteria: ACMG Guidelines, 2015. Collection method: not provided. Allele origin: germline. Inheritance: Multifactorial inheritance. Affected: yes.